The following is an entry in ClinVar:

NM_080680.3(COL11A2):c.1899G>A (p.Gln633=)

Gene: COL11A2 (collagen type XI alpha 2 chain; minus strand). Cytogenetic location: 6p21.32.
Variant type: single nucleotide variant.
Coding change: c.1899G>A on transcript NM_080680.3 (MANE Select); coding-DNA position 1899, G replaced by A.
Protein change: p.Gln633=; no amino-acid change (glutamine 633 retained).
Molecular consequence: synonymous variant.
Genome position (GRCh38, 1-based): chr6:33,177,680, C>T on the plus strand (G>A on the coding strand, the complement: COL11A2 is on the minus strand). VCF-style: chr6-33177680-C-T. GRCh37 (hg19) VCF-style: chr6-33145457-C-T.
Other names: c.1719G>A, p.Gln573= (NM_001424108.1); c.1053G>A, p.Gln351= (NM_001424109.1); c.873G>A, p.Gln291= (NM_001424110.1, NM_001424111.1); c.1578G>A, p.Gln526= (NM_080679.3); c.1641G>A, p.Gln547= (NM_080681.3).
Identifiers: ClinVar variation 4534802 (VCV004534802.6).

ClinVar aggregate classification (germline): Likely benign (1 of 4 stars; one submission).

Submission:

CeGaT Center for Human Genetics Tuebingen
Classification: Likely benign. Last evaluated: 2025-08-01. Review status: criteria provided, single submitter. Criteria: CeGaT Center For Human Genetics Tuebingen Variant Classification Criteria Version 2. Collection method: clinical testing. Allele origin: germline. Affected: yes. Observed: 1 variant allele.
Comment: COL11A2: PM2:Supporting, BP4, BP7